The following is an entry in ClinVar:

ClinVar aggregate classification (germline): Uncertain significance. Review status: criteria provided, multiple submitters, no conflicts (2 of 4 stars). 2 submissions from 2 submitters: Uncertain significance (2). Last evaluated 2025-02-05.

Allele frequency attached by ClinVar (database versions not stated): gnomAD exomes below 0.00001.

Submissions (2):

Labcorp Genetics (formerly Invitae), Labcorp
Classification: Uncertain significance. Last evaluated: 2025-02-05. Review status: criteria provided, single submitter. Criteria: Invitae Variant Classification Sherloc (09022015). Collection method: clinical testing. Allele origin: germline.
Comment: This sequence change replaces arginine, which is basic and polar, with methionine, which is neutral and non-polar, at codon 242 of the KLF10 protein (p.Arg242Met). This variant is not present in population databases (gnomAD no frequency). This variant has not been reported in the literature in individuals affected with KLF10-related conditions. ClinVar contains an entry for this variant (Variation ID: 1522860). An algorithm developed to predict the effect of missense changes on protein structure and function (PolyPhen-2) suggests that this variant is likely to be tolerated. In summary, the available evidence is currently insufficient to determine the role of this variant in disease. Therefore, it has been classified as a Variant of Uncertain Significance.

Ambry Genetics
Classification: Uncertain significance. Last evaluated: 2024-09-01. Review status: criteria provided, single submitter. Criteria: Ambry Variant Classification Scheme 2023. Collection method: clinical testing. Allele origin: germline.

NM_005655.4(KLF10):c.725G>T (p.Arg242Met)

Gene: KLF10 (KLF transcription factor 10; minus strand). Cytogenetic location: 8q22.3.
Variant type: single nucleotide variant.
Coding change: c.725G>T on transcript NM_005655.4 (MANE Select); coding-DNA position 725, G replaced by T.
Protein change: p.Arg242Met; replaces arginine 242 with methionine.
Molecular consequence: missense variant.
Genome position (GRCh38, 1-based): chr8:102,651,607, C>A on the plus strand (G>T on the coding strand, the complement: KLF10 is on the minus strand). VCF-style: chr8-102651607-C-A. GRCh37 (hg19) VCF-style: chr8-103663835-C-A.
Other names: c.692G>T, p.Arg231Met (NM_001032282.4); c.725G>T (NM_005655.2); short protein forms R231M, R242M.
Identifiers: ClinVar variation 1522860 (VCV001522860.7), dbSNP rs1391827872, ClinGen allele CA371627444.